The following is an entry in ClinVar:

ClinVar aggregate classification (germline): Uncertain significance (1 of 4 stars; one submission).

Allele frequency attached by ClinVar (database versions not stated): gnomAD exomes below 0.00001.
gnomAD v4.1: 2 of 1,614,124 alleles (0.00012%); highest among the groups gnomAD compares: Non-Finnish European, 0.00017%; no homozygotes.

Submission:

Labcorp Genetics (formerly Invitae), Labcorp
Classification: Uncertain significance. Last evaluated: 2025-09-10. Review status: criteria provided, single submitter. Criteria: Invitae Variant Classification Sherloc (09022015). Collection method: clinical testing. Allele origin: germline.
Comment: This sequence change replaces aspartic acid, which is acidic and polar, with asparagine, which is neutral and polar, at codon 788 of the IL6ST protein (p.Asp788Asn). This variant is not present in population databases (gnomAD no frequency). This variant has not been reported in the literature in individuals affected with IL6ST-related conditions. ClinVar contains an entry for this variant (Variation ID: 2809054). An algorithm developed to predict the effect of missense changes on protein structure and function (PolyPhen-2) suggests that this variant is likely to be disruptive. In summary, the available evidence is currently insufficient to determine the role of this variant in disease. Therefore, it has been classified as a Variant of Uncertain Significance.

NM_002184.4(IL6ST):c.2362G>A (p.Asp788Asn)

Gene: IL6ST (interleukin 6 cytokine family signal transducer; minus strand). Cytogenetic location: 5q11.2.
Variant type: single nucleotide variant.
Coding change: c.2362G>A on transcript NM_002184.4 (MANE Select); coding-DNA position 2362, G replaced by A.
Protein change: p.Asp788Asn; replaces aspartic acid 788 with asparagine.
Molecular consequence: missense variant. On other transcripts: 3 prime UTR variant (1), non-coding transcript variant (2).
Genome position (GRCh38, 1-based): chr5:55,941,477, C>T on the plus strand (G>A on the coding strand, the complement: IL6ST is on the minus strand). VCF-style: chr5-55941477-C-T. GRCh37 (hg19) VCF-style: chr5-55237305-C-T.
Other names: c.2179G>A, p.Asp727Asn (NM_001190981.2); c.2260G>A, p.Asp754Asn (NM_001364275.2); c.2152G>A, p.Asp718Asn (NM_001364276.2); c.1495G>A, p.Asp499Asn (NM_001364277.2); c.1459G>A, p.Asp487Asn (NM_001364278.2); c.1366G>A, p.Asp456Asn (NM_001364279.2); c.*1289G>A (NM_175767.3); short protein forms D499N, D788N, D487N, D727N, D456N, D718N, D754N.
Identifiers: ClinVar variation 2809054 (VCV002809054.3), dbSNP rs2533428754, ClinGen allele CA359778588.